The following is an entry in ClinVar:

NM_017617.5(NOTCH1):c.743-3C>A

Genes: MIR4673 (microRNA 4673; minus strand), NOTCH1 (notch receptor 1; minus strand). Cytogenetic location: 9q34.3.
Variant type: single nucleotide variant.
Coding change: c.743-3C>A on transcript NM_017617.5 (MANE Select); 3 bases into the intron before coding-DNA position 743, C replaced by A.
Molecular consequence: intron variant. On other transcripts: non-coding transcript variant (1).
Genome position (GRCh38, 1-based): chr9:136,519,568, G>T on the plus strand (C>A on the coding strand, the complement: NOTCH1 is on the minus strand). VCF-style: chr9-136519568-G-T. GRCh37 (hg19) VCF-style: chr9-139414020-G-T.
Identifiers: ClinVar variation 1493067 (VCV001493067.6), dbSNP rs778646322, ClinGen allele CA467719615.

ClinVar aggregate classification (germline): Uncertain significance (1 of 4 stars; one submission).

Conditions:
Adams-Oliver syndrome 5 (AOS5). Identifiers: Orphanet 974, MedGen C4014970, MONDO:0014459, OMIM 616028.

Submission:

Labcorp Genetics (formerly Invitae), Labcorp
Classification: Uncertain significance for Adams-Oliver syndrome 5. Last evaluated: 2021-03-16. Review status: criteria provided, single submitter. Criteria: Invitae Variant Classification Sherloc (09022015). Collection method: clinical testing. Allele origin: germline.
Comment: In summary, the available evidence is currently insufficient to determine the role of this variant in disease. Therefore, it has been classified as a Variant of Uncertain Significance. Nucleotide substitutions within the consensus splice site are a relatively common cause of aberrant splicing (PMID: 17576681, 9536098). Algorithms developed to predict the effect of sequence changes on RNA splicing suggest that this variant may disrupt the consensus splice site, but this prediction has not been confirmed by published transcriptional studies. This variant has not been reported in the literature in individuals with NOTCH1-related conditions. This variant is not present in population databases (ExAC no frequency). This sequence change falls in intron 4 of the NOTCH1 gene. It does not directly change the encoded amino acid sequence of the NOTCH1 protein. It affects a nucleotide within the consensus splice site of the intron.

Literature cited by the submitters: PubMed 17576681; PubMed 9536098.